The following is an entry in ClinVar:

ClinVar aggregate classification (germline): Pathogenic/Likely pathogenic. Review status: criteria provided, multiple submitters, no conflicts (2 of 4 stars). 5 submissions from 5 submitters: Pathogenic (4); Likely pathogenic (1). Last evaluated 2025-09-18.

Conditions:
Brugada syndrome 8 (BRGDA8). Identifiers: Orphanet 130, MedGen C2751083, MONDO:0013148, OMIM 613123.
Cardiovascular phenotype. Identifiers: MedGen CN230736.
HCN4-related disorder. Also called: HCN4-related condition.

Allele frequency attached by ClinVar (database versions not stated): gnomAD exomes below 0.00001; ExAC 0.00001; TOPMed 0.00001; gnomAD 0.00002.
gnomAD v4.1: 6 of 1,614,072 alleles (0.00037%); highest among the groups gnomAD compares: African/African-American, 0.0013%; no homozygotes.

Submissions (5):

GeneDx
Classification: Pathogenic. Last evaluated: 2025-09-18. Review status: criteria provided, single submitter. Criteria: GeneDx Variant Classification Process June 2021. Collection method: clinical testing. Allele origin: germline. Affected: yes.
Comment: Reported in association with LVNC, sudden death, and sinus bradycardia (PMID: 26688388, 33008772, 34088380); Published functional studies suggest a decreased current compared to wild type (PMID: 33008772); In silico analysis supports that this missense variant has a deleterious effect on protein structure/function; Not observed at significant frequency in large population cohorts (gnomAD); This variant is associated with the following publications: (PMID: 30578647, 34088380, 37760888, 40932774, 38018478, 33008772, 38723033, 26688388)

Ambry Genetics
Classification: Pathogenic for Cardiovascular phenotype. Last evaluated: 2025-08-14. Review status: criteria provided, single submitter. Criteria: Ambry Variant Classification Scheme 2023. Collection method: clinical testing. Allele origin: germline.
Comment: The p.R375C pathogenic mutation (also known as c.1123C>T), located in coding exon 2 of the HCN4 gene, results from a C to T substitution at nucleotide position 1123. The arginine at codon 375 is replaced by cysteine, an amino acid with highly dissimilar properties. This alteration has been reported in individuals with left ventricular non-compaction (LVNC) and sinus bradycardia, segregating with disease in one family (Chanavat V et al. Clin Chim Acta, 2016 Jan;453:80-5; Richard P et al. Clin Genet, 2019 Mar;95:356-367; Alonso-Fern&aacute;ndez-Gatta M et al. Rev Esp Cardiol (Engl Ed), 2021 Sep;74:781-789; Ambry internal data). In vitro studies showed this alteration may impact protein function (Alonso-Fern&aacute;ndez-Gatta M et al. Rev Esp Cardiol (Engl Ed), 2021 Sep;74:781-789). This amino acid position is highly conserved in available vertebrate species. In addition, this alteration is predicted to be deleterious by in silico analysis. This variant is considered to be rare based on population cohorts in the Genome Aggregation Database (gnomAD). Based on the supporting evidence, this variant is interpreted as a disease-causing mutation.

Labcorp Genetics (formerly Invitae), Labcorp
Classification: Pathogenic for Brugada syndrome 8. Last evaluated: 2025-08-06. Review status: criteria provided, single submitter. Criteria: Invitae Variant Classification Sherloc (09022015). Collection method: clinical testing. Allele origin: germline.
Comment: This sequence change replaces arginine, which is basic and polar, with cysteine, which is neutral and slightly polar, at codon 375 of the HCN4 protein (p.Arg375Cys). This variant is present in population databases (rs755356387, gnomAD 0.0009%). This missense change has been observed in individual(s) with clinical features of HCN4-related condition (PMID: 26688388, 30471092, 30578647, 33008772). It has also been observed to segregate with disease in related individuals. ClinVar contains an entry for this variant (Variation ID: 571947). Invitae Evidence Modeling of protein sequence and biophysical properties (such as structural, functional, and spatial information, amino acid conservation, physicochemical variation, residue mobility, and thermodynamic stability) indicates that this missense variant is expected to disrupt HCN4 protein function with a positive predictive value of 95%. For these reasons, this variant has been classified as Pathogenic.

Mayo Clinic Laboratories, Mayo Clinic
Classification: Pathogenic. Last evaluated: 2023-02-07. Review status: criteria provided, single submitter. Criteria: ACMG Guidelines, 2015. Collection method: clinical testing. Allele origin: germline. Observed: 1 variant allele.
Comment: PP1_strong, PP3, PM1, PS3_moderate, PS4_moderate

Blueprint Genetics
Classification: Likely pathogenic for HCN4-related disorders. Last evaluated: 2020-06-04. Review status: criteria provided, single submitter. Criteria: ACMG Guidelines, 2015. Collection method: clinical testing. Allele origin: germline. Affected: yes. Observed: 3 variant alleles.

Literature cited by the submitters: PubMed 26688388 (cited by 3 submitters); PubMed 30471092 (cited by 3 submitters); PubMed 33008772 (cited by 3 submitters); PubMed 30578647 (cited by Labcorp Genetics (formerly Invitae), Labcorp); PubMed 34088380 (cited by Mayo Clinic Laboratories, Mayo Clinic).

NM_005477.3(HCN4):c.1123C>T (p.Arg375Cys)

Genes: HCN4 (hyperpolarization activated cyclic nucleotide gated potassium channel 4; minus strand), LOC105370890 (uncharacterized LOC105370890; plus strand), LOC126862173 (CDK7 strongly-dependent group 2 enhancer GRCh37_chr15:73635762-73636961; plus strand). Cytogenetic location: 15q24.1.
Variant type: single nucleotide variant.
Coding change: c.1123C>T on transcript NM_005477.3 (MANE Select); coding-DNA position 1123, C replaced by T.
Protein change: p.Arg375Cys; replaces arginine 375 with cysteine.
Molecular consequence: missense variant.
Genome position (GRCh38, 1-based): chr15:73,343,471, G>A on the plus strand (C>T on the coding strand, the complement: HCN4 is on the minus strand). VCF-style: chr15-73343471-G-A. GRCh37 (hg19) VCF-style: chr15-73635812-G-A.
Other names: p.Arg375Cys; short protein forms R375C.
Identifiers: ClinVar variation 571947 (VCV000571947.17), dbSNP rs755356387, ClinGen allele CA7649363.